The following is an entry in ClinVar:

ClinVar aggregate classification (germline): Uncertain significance. Review status: criteria provided, multiple submitters, no conflicts (2 of 4 stars). 2 submissions from 2 submitters: Uncertain significance (2). Last evaluated 2024-07-30.

Conditions:
Catecholaminergic polymorphic ventricular tachycardia 1. Also called: RYR2-Related Catecholaminergic Polymorphic Ventricular Tachycardia; VENTRICULAR TACHYCARDIA, STRESS-INDUCED POLYMORPHIC 1; VENTRICULAR TACHYCARDIA, CATECHOLAMINERGIC POLYMORPHIC, 1, WITH OR WITHOUT ATRIAL DYSFUNCTION AND/OR DILATED CARDIOMYOPATHY. Identifiers: Orphanet 3286, MedGen C1631597, MONDO:0011484, OMIM 604772.

gnomAD v4.1: 3 of 1,584,522 alleles (0.00019%); highest among the groups gnomAD compares: Non-Finnish European, 0.00026%; no homozygotes.

Submissions (2):

Labcorp Genetics (formerly Invitae), Labcorp
Classification: Uncertain significance for Catecholaminergic polymorphic ventricular tachycardia 1. Last evaluated: 2024-07-30. Review status: criteria provided, single submitter. Criteria: Invitae Variant Classification Sherloc (09022015). Collection method: clinical testing. Allele origin: germline.
Comment: This sequence change replaces proline, which is neutral and non-polar, with arginine, which is basic and polar, at codon 4439 of the RYR2 protein (p.Pro4439Arg). This variant is not present in population databases (gnomAD no frequency). This variant has not been reported in the literature in individuals affected with RYR2-related conditions. Advanced modeling of protein sequence and biophysical properties (such as structural, functional, and spatial information, amino acid conservation, physicochemical variation, residue mobility, and thermodynamic stability) performed at Invitae indicates that this missense variant is not expected to disrupt RYR2 protein function with a negative predictive value of 95%. In summary, the available evidence is currently insufficient to determine the role of this variant in disease. Therefore, it has been classified as a Variant of Uncertain Significance.

Blueprint Genetics
Classification: Uncertain significance. Last evaluated: 2019-12-11. Review status: criteria provided, single submitter. Criteria: ACMG Guidelines, 2015. Collection method: clinical testing. Allele origin: germline.

NM_001035.3(RYR2):c.13316C>G (p.Pro4439Arg)

Gene: RYR2 (ryanodine receptor 2; plus strand). Cytogenetic location: 1q43.
Variant type: single nucleotide variant.
Coding change: c.13316C>G on transcript NM_001035.3 (MANE Select); coding-DNA position 13316, C replaced by G.
Protein change: p.Pro4439Arg; replaces proline 4439 with arginine.
Molecular consequence: missense variant.
Genome position (GRCh38, 1-based): chr1:237,786,024, C>G. VCF-style: chr1-237786024-C-G. GRCh37 (hg19) VCF-style: chr1-237949324-C-G.
Other names: short protein forms P4439R.
Identifiers: ClinVar variation 3631333 (VCV003631333.3).